The following is an entry in ClinVar:

ClinVar aggregate classification (germline): Likely benign. Review status: criteria provided, multiple submitters, no conflicts (2 of 4 stars). 3 submissions from 3 submitters: Likely benign (2). 1 of the submissions does not count toward it. Last evaluated 2025-07-09.

Conditions:
CACNA1H-related disorder.
Epilepsy, childhood absence, susceptibility to, 6. Identifiers: Orphanet 64280, MedGen C2749872, MONDO:0012763, OMIM 611942.
Hyperaldosteronism, familial, type IV (HALD4). Also called: FH IV; ALDOSTERONISM, PRIMARY, AND HYPERTENSION. Identifiers: Orphanet 642671, MedGen C4310756, MONDO:0014875, OMIM 617027.
Idiopathic generalized epilepsy. Also called: Generalised epilepsy; EIG. Identifiers: MedGen C0270850, MONDO:0005579, OMIM 600669.

Allele frequency attached by ClinVar (database versions not stated): ExAC 0.00001; gnomAD 0.00001; gnomAD exomes 0.00001; TOPMed 0.00003; 1000 Genomes Project 30x 0.00031; 1000 Genomes Project 0.00040.
gnomAD v4.1: 23 of 1,597,944 alleles (0.0014%); highest among the groups gnomAD compares: African/African-American, 0.004%; no homozygotes.

Submissions (3):

Labcorp Genetics (formerly Invitae), Labcorp
Classification: Likely benign for Idiopathic generalized epilepsy; Hyperaldosteronism, familial, type IV. Last evaluated: 2025-07-09. Review status: criteria provided, single submitter. Criteria: Invitae Variant Classification Sherloc (09022015). Collection method: clinical testing. Allele origin: germline.

Fulgent Genetics
Classification: Likely benign for Epilepsy, childhood absence, susceptibility to, 6; Hyperaldosteronism, familial, type IV. Last evaluated: 2021-09-14. Review status: criteria provided, single submitter. Criteria: ACMG Guidelines, 2015. Collection method: clinical testing. Allele origin: unknown.

PreventionGenetics, part of Exact Sciences
Classification: Likely benign for CACNA1H-related condition. Last evaluated: 2021-06-21. Review status: no assertion criteria provided. Collection method: clinical testing. Allele origin: germline. Not counted in ClinVar's aggregate classification.
Comment: This variant is classified as likely benign based on ACMG/AMP sequence variant interpretation guidelines (Richards et al. 2015 PMID: 25741868, with internal and published modifications).

NM_021098.3(CACNA1H):c.3654C>T (p.Asp1218=)

Gene: CACNA1H (calcium voltage-gated channel subunit alpha1 H; plus strand). Cytogenetic location: 16p13.3.
Variant type: single nucleotide variant.
Coding change: c.3654C>T on transcript NM_021098.3 (MANE Select); coding-DNA position 3654, C replaced by T.
Protein change: p.Asp1218=; no amino-acid change (aspartic acid 1218 retained).
Molecular consequence: synonymous variant.
Genome position (GRCh38, 1-based): chr16:1,209,322, C>T. VCF-style: chr16-1209322-C-T. GRCh37 (hg19) VCF-style: chr16-1259322-C-T.
Other names: c.3654C>T, p.Asp1218= (NM_001005407.2); c.3654C>T (NM_021098.2).
Identifiers: ClinVar variation 1666831 (VCV001666831.11), dbSNP rs200922359, ClinGen allele CA7800835.